The following is an entry in ClinVar:

NM_020774.4(MIB1):c.584T>G (p.Val195Gly)

Gene: MIB1 (MIB E3 ubiquitin protein ligase 1; plus strand). Cytogenetic location: 18q11.2.
Variant type: single nucleotide variant.
Coding change: c.584T>G on transcript NM_020774.4 (MANE Select); coding-DNA position 584, T replaced by G.
Protein change: p.Val195Gly; replaces valine 195 with glycine.
Molecular consequence: missense variant.
Genome position (GRCh38, 1-based): chr18:21,773,676, T>G. VCF-style: chr18-21773676-T-G. GRCh37 (hg19) VCF-style: chr18-19353637-T-G.
Other names: c.584T>G (NM_020774.2); short protein forms V195G.
Identifiers: ClinVar variation 2631074 (VCV002631074.2), dbSNP rs2041248124, ClinGen allele CA401741998.

ClinVar aggregate classification (germline): Uncertain significance. Review status: criteria provided, multiple submitters, no conflicts (2 of 4 stars). 2 submissions from 2 submitters: Uncertain significance (2). Last evaluated 2026-08-16.

Conditions:
Inborn genetic diseases. Identifiers: MedGen C0950123, MeSH D030342.
MIB1-related disorder. Also called: MIB1-related condition.

Allele frequency attached by ClinVar (database versions not stated): TOPMed below 0.00001.

Submissions (2):

Ambry Genetics
Classification: Uncertain significance for Inborn genetic diseases. Last evaluated: 2026-08-16. Review status: criteria provided, single submitter. Criteria: Ambry Variant Classification Scheme 2023. Collection method: clinical testing. Allele origin: germline.
Comment: The p.V195G variant (also known as c.584T>G), located in coding exon 4 of the MIB1 gene, results from a T to G substitution at nucleotide position 584. The valine at codon 195 is replaced by glycine, an amino acid with dissimilar properties. This amino acid position is conserved. In addition, this alteration is predicted to be deleterious by in silico analysis. Based on the available evidence, the clinical significance of this variant remains unclear.

PreventionGenetics, part of Exact Sciences
Classification: Uncertain significance for MIB1-related condition. Last evaluated: 2023-08-14. Review status: criteria provided, single submitter. Criteria: ACMG Guidelines, 2015. Collection method: clinical testing. Allele origin: germline.
Comment: The MIB1 c.584T>G variant is predicted to result in the amino acid substitution p.Val195Gly. To our knowledge, this variant has not been reported in the literature or in a large population database, indicating this variant is rare. At this time, the clinical significance of this variant is uncertain due to the absence of conclusive functional and genetic evidence.